The following is an entry in ClinVar:

ClinVar aggregate classification (germline): Uncertain significance. Review status: criteria provided, multiple submitters, no conflicts (2 of 4 stars). 2 submissions from 2 submitters: Uncertain significance (2). Last evaluated 2025-12-15.

Conditions:
Inborn genetic diseases. Identifiers: MedGen C0950123, MeSH D030342.

Allele frequency attached by ClinVar (database versions not stated): gnomAD exomes below 0.00001.
gnomAD v4.1: 7 of 1,613,724 alleles (0.00043%); highest among the groups gnomAD compares: Non-Finnish European, 0.00042%; no homozygotes.

Submissions (2):

Labcorp Genetics (formerly Invitae), Labcorp
Classification: Uncertain significance. Last evaluated: 2025-12-15. Review status: criteria provided, single submitter. Criteria: Invitae Variant Classification Sherloc (09022015). Collection method: clinical testing. Allele origin: germline.
Comment: This sequence change replaces glutamic acid, which is acidic and polar, with aspartic acid, which is acidic and polar, at codon 295 of the LIPT1 protein (p.Glu295Asp). This variant is present in population databases (no rsID available, gnomAD 0.0009%). This variant has not been reported in the literature in individuals affected with LIPT1-related conditions. ClinVar contains an entry for this variant (Variation ID: 1359554). Invitae Evidence Modeling of protein sequence and biophysical properties (such as structural, functional, and spatial information, amino acid conservation, physicochemical variation, residue mobility, and thermodynamic stability) indicates that this missense variant is not expected to disrupt LIPT1 protein function with a negative predictive value of 80%. In summary, the available evidence is currently insufficient to determine the role of this variant in disease. Therefore, it has been classified as a Variant of Uncertain Significance.

Ambry Genetics
Classification: Uncertain significance for Inborn genetic diseases. Last evaluated: 2025-11-20. Review status: criteria provided, single submitter. Criteria: Ambry Variant Classification Scheme 2023. Collection method: clinical testing. Allele origin: germline.

NM_145199.3(LIPT1):c.885A>C (p.Glu295Asp)

Genes: MITD1 (microtubule interacting and trafficking domain containing 1; minus strand), LIPT1 (lipoyltransferase 1; plus strand). Cytogenetic location: 2q11.2.
Variant type: single nucleotide variant.
Coding change: c.885A>C on transcript NM_145199.3 (MANE Select); coding-DNA position 885, A replaced by C.
Protein change: p.Glu295Asp; replaces glutamic acid 295 with aspartic acid.
Molecular consequence: missense variant. On other transcripts: non-coding transcript variant (2).
Genome position (GRCh38, 1-based): chr2:99,162,842, A>C. VCF-style: chr2-99162842-A-C. GRCh37 (hg19) VCF-style: chr2-99779305-A-C.
Other names: c.885A>C, p.Glu295Asp (NM_001204830.2, NM_015929.4, NM_145197.3 and 1 more transcripts); c.885A>C (NM_001204830.1); short protein forms E295D.
Identifiers: ClinVar variation 1359554 (VCV001359554.9), dbSNP rs900402356, ClinGen allele CA52676587.